The following is an entry in ClinVar:

ClinVar aggregate classification (germline): Uncertain significance (1 of 4 stars; one submission).

gnomAD v4.1: 44 of 1,613,966 alleles (0.0027%); highest among the groups gnomAD compares: East Asian, 0.0045%; no homozygotes.

Submission:

Labcorp Genetics (formerly Invitae), Labcorp
Classification: Uncertain significance. Last evaluated: 2024-03-20. Review status: criteria provided, single submitter. Criteria: Invitae Variant Classification Sherloc (09022015). Collection method: clinical testing. Allele origin: germline.
Comment: This sequence change replaces arginine, which is basic and polar, with cysteine, which is neutral and slightly polar, at codon 752 of the FAN1 protein (p.Arg752Cys). This variant is present in population databases (rs189306289, gnomAD 0.006%). This variant has not been reported in the literature in individuals affected with FAN1-related conditions. An algorithm developed to predict the effect of missense changes on protein structure and function (PolyPhen-2) suggests that this variant is likely to be disruptive. In summary, the available evidence is currently insufficient to determine the role of this variant in disease. Therefore, it has been classified as a Variant of Uncertain Significance.

NM_014967.5(FAN1):c.2254C>T (p.Arg752Cys)

Genes: FAN1 (FANCD2 and FANCI associated nuclease 1; plus strand), MTMR10 (myotubularin related protein 10; minus strand). Cytogenetic location: 15q13.3.
Variant type: single nucleotide variant.
Coding change: c.2254C>T on transcript NM_014967.5 (MANE Select); coding-DNA position 2254, C replaced by T.
Protein change: p.Arg752Cys; replaces arginine 752 with cysteine.
Molecular consequence: missense variant.
Genome position (GRCh38, 1-based): chr15:30,925,208, C>T. VCF-style: chr15-30925208-C-T. GRCh37 (hg19) VCF-style: chr15-31217411-C-T.
Other names: short protein forms R752C.
Identifiers: ClinVar variation 3670822 (VCV003670822.2).
Genomic context (GRCh38, chr15:30,925,208, plus strand): 5'-GGGCTGGCGGATCCGGAAGTCAGAACGGGACACCGCCTTTCACTGTATCAGCGAGCCGTG[C>T]GCCTGCGAGAGTCTCCGAGCTGTAAAAAGTTCAAGCACCTCTTCCAGCAGCTCCCAGAAA-3'
Protein context (NP_055782.3, residues 742-762): HRLSLYQRAV[Arg752Cys]LRESPSCKKF